The following is an entry in ClinVar:

NM_000277.3(PAH):c.656T>A (p.Phe219Tyr)

Gene: PAH (phenylalanine hydroxylase; minus strand). Cytogenetic location: 12q23.2.
Variant type: single nucleotide variant.
Coding change: c.656T>A on transcript NM_000277.3 (MANE Select); coding-DNA position 656, T replaced by A.
Protein change: p.Phe219Tyr; replaces phenylalanine 219 with tyrosine.
Molecular consequence: missense variant.
Genome position (GRCh38, 1-based): chr12:102,855,186, A>T on the plus strand (T>A on the coding strand, the complement: PAH is on the minus strand). VCF-style: chr12-102855186-A-T. GRCh37 (hg19) VCF-style: chr12-103248964-A-T.
Other names: c.656T>A, p.Phe219Tyr (NM_001354304.2); short protein forms F219Y.
Identifiers: ClinVar variation 1754238 (VCV001754238.4), dbSNP rs1164279708, ClinGen allele CA386296623.
Genomic context (GRCh38, chr12:102,855,186, plus strand): 5'-GTGGACTTACTCTGCAGGAACTGAGAAACGTCTTCCAGCTGGGGAATGTTATCTTCATGG[A>T]AGCCACAGTACTTTTCAAGAAGTGGAAAAATGTGATTGTACTCATAGCAAGCATGGGTTT-3'
Protein context (NP_000268.1, residues 209-229): IFPLLEKYCG[Phe219Tyr]HEDNIPQLED

ClinVar aggregate classification (germline): Uncertain significance. Review status: criteria provided, multiple submitters, no conflicts (2 of 4 stars). 2 submissions from 2 submitters: Uncertain significance (2). Last evaluated 2022-04-05.

Conditions:
Phenylketonuria (PKU). Also called: Phenylketonurias; FOLLING DISEASE; Phenylketonuria (PKU); OLIGOPHRENIA PHENYLPYRUVICA. Identifiers: Orphanet 716, MedGen C0031485, MONDO:0009861, OMIM 261600. Disease mechanism: loss of function.
Inborn genetic diseases. Identifiers: MedGen C0950123, MeSH D030342.

Allele frequency attached by ClinVar (database versions not stated): gnomAD exomes below 0.00001; TOPMed below 0.00001.
gnomAD v4.1: 4 of 1,614,192 alleles (0.00025%); highest among the groups gnomAD compares: Admixed American, 0.0017%; no homozygotes.

Submissions (2):

Ambry Genetics
Classification: Uncertain significance for Inborn genetic diseases. Last evaluated: 2022-04-05. Review status: criteria provided, single submitter. Criteria: Ambry Variant Classification Scheme 2023. Collection method: clinical testing. Allele origin: germline.
Comment: The p.F219Y variant (also known as c.656T>A), located in coding exon 6 of the PAH gene, results from a T to A substitution at nucleotide position 656. The phenylalanine at codon 219 is replaced by tyrosine, an amino acid with highly similar properties. This amino acid position is conserved. In addition, the in silico prediction for this alteration is inconclusive. Since supporting evidence is limited at this time, the clinical significance of this alteration remains unclear.

Labcorp Genetics (formerly Invitae), Labcorp
Classification: Uncertain significance for Phenylketonuria. Last evaluated: 2022-02-06. Review status: criteria provided, single submitter. Criteria: Invitae Variant Classification Sherloc (09022015). Collection method: clinical testing. Allele origin: germline.
Comment: This sequence change replaces phenylalanine, which is neutral and non-polar, with tyrosine, which is neutral and polar, at codon 219 of the PAH protein (p.Phe219Tyr). This variant is present in population databases (no rsID available, gnomAD 0.003%). This variant has not been reported in the literature in individuals affected with PAH-related conditions. Algorithms developed to predict the effect of missense changes on protein structure and function (SIFT, PolyPhen-2, Align-GVGD) all suggest that this variant is likely to be tolerated. In summary, the available evidence is currently insufficient to determine the role of this variant in disease. Therefore, it has been classified as a Variant of Uncertain Significance.